The following is an entry in ClinVar:

NM_000238.4(KCNH2):c.237C>G (p.Ala79=)

Gene: KCNH2 (potassium voltage-gated channel subfamily H member 2; minus strand). Cytogenetic location: 7q36.1.
Variant type: single nucleotide variant.
Coding change: c.237C>G on transcript NM_000238.4 (MANE Select); coding-DNA position 237, C replaced by G.
Protein change: p.Ala79=; no amino-acid change (alanine 79 retained).
Molecular consequence: synonymous variant. On other transcripts: non-coding transcript variant (1).
Genome position (GRCh38, 1-based): chr7:150,974,781, G>C on the plus strand (C>G on the coding strand, the complement: KCNH2 is on the minus strand). VCF-style: chr7-150974781-G-C. GRCh37 (hg19) VCF-style: chr7-150671869-G-C.
Other names: c.60C>G, p.Ala20= (NM_001406755.1); c.237C>G, p.Ala79= (NM_172056.3).
Identifiers: ClinVar variation 413335 (VCV000413335.22), dbSNP rs1060503994, ClinGen allele CA16612128.

ClinVar aggregate classification (germline): Conflicting classifications of pathogenicity. Review status: criteria provided, conflicting classifications (1 of 4 stars). 5 submissions from 5 submitters: Uncertain significance (1); Likely benign (4). Last evaluated 2025-02-18.

Conditions:
Cardiac arrhythmia. Also called: Cardiac rhythm disease; Arrhythmia. Identifiers: MedGen C0003811, MONDO:0007263, HP:0011675.
Cardiovascular phenotype. Identifiers: MedGen CN230736.
Long QT syndrome 2 (LQT2). Identifiers: Orphanet 101016, Orphanet 768, MedGen C3150943, MONDO:0013367, OMIM 613688.
Long QT syndrome (LQTS). Identifiers: MedGen C0023976, MeSH D008133, MONDO:0002442. Disease mechanism: loss of function. Inheritance: Various modes of inheritance.

Allele frequency attached by ClinVar (database versions not stated): gnomAD exomes below 0.00001.
gnomAD v4.1: 3 of 1,605,524 alleles (0.00019%); highest among the groups gnomAD compares: Non-Finnish European, 0.00026%; no homozygotes.

Submissions (5):

Labcorp Genetics (formerly Invitae), Labcorp
Classification: Likely benign for Long QT syndrome. Last evaluated: 2025-02-18. Review status: criteria provided, single submitter. Criteria: Invitae Variant Classification Sherloc (09022015). Collection method: clinical testing. Allele origin: germline.

Ambry Genetics
Classification: Likely benign for Cardiovascular phenotype. Last evaluated: 2024-09-20. Review status: criteria provided, single submitter. Criteria: Ambry Variant Classification Scheme 2023. Collection method: clinical testing. Allele origin: germline.

All of Us Research Program, National Institutes of Health
Classification: Likely benign for Long QT syndrome. Last evaluated: 2023-10-02. Review status: criteria provided, single submitter. Criteria: ACMG Guidelines, 2015. Collection method: clinical testing. Allele origin: germline. Inheritance: Autosomal dominant inheritance. Observed: 2 variant alleles, 2 heterozygotes.
Comment: This study involves interpretation of variants in research participants for the purpose of population health screening. Participant phenotype was not available at the time of variant classification. Additional details can be found in publication PMID: 35346344, PMCID: PMC8962531

Color Diagnostics, LLC DBA Color Health
Classification: Likely benign for Arrhythmia. Last evaluated: 2019-04-06. Review status: criteria provided, single submitter. Criteria: ACMG Guidelines, 2015. Collection method: clinical testing. Allele origin: germline.

Illumina Laboratory Services, Illumina
Classification: Uncertain significance for Long QT syndrome 2. Last evaluated: 2017-04-28. Review status: criteria provided, single submitter. Criteria: ICSL Variant Classification Criteria 13 December 2019. Collection method: clinical testing. Allele origin: germline.